The following is an entry in ClinVar:

NM_002470.4(MYH3):c.4730T>C (p.Ile1577Thr)

Gene: MYH3 (myosin heavy chain 3; minus strand). Cytogenetic location: 17p13.1.
Variant type: single nucleotide variant.
Coding change: c.4730T>C on transcript NM_002470.4 (MANE Select); coding-DNA position 4730, T replaced by C.
Protein change: p.Ile1577Thr; replaces isoleucine 1577 with threonine.
Molecular consequence: missense variant.
Genome position (GRCh38, 1-based): chr17:10,632,702, A>G on the plus strand (T>C on the coding strand, the complement: MYH3 is on the minus strand). VCF-style: chr17-10632702-A-G. GRCh37 (hg19) VCF-style: chr17-10536019-A-G.
Other names: short protein forms I1577T.
Identifiers: ClinVar variation 2899149 (VCV002899149.3), dbSNP rs766589093, ClinGen allele CA8392141.

ClinVar aggregate classification (germline): Uncertain significance (1 of 4 stars; one submission).

Allele frequency attached by ClinVar (database versions not stated): ExAC 0.00001; gnomAD exomes 0.00001; TOPMed 0.00002; gnomAD 0.00003.
gnomAD v4.1: 12 of 1,614,042 alleles (0.00074%); highest among the groups gnomAD compares: East Asian, 0.025%; no homozygotes.

Submission:

Labcorp Genetics (formerly Invitae), Labcorp
Classification: Uncertain significance. Last evaluated: 2024-10-26. Review status: criteria provided, single submitter. Criteria: Invitae Variant Classification Sherloc (09022015). Collection method: clinical testing. Allele origin: germline.
Comment: This sequence change replaces isoleucine, which is neutral and non-polar, with threonine, which is neutral and polar, at codon 1577 of the MYH3 protein (p.Ile1577Thr). This variant is present in population databases (rs766589093, gnomAD 0.03%). This variant has not been reported in the literature in individuals affected with MYH3-related conditions. Invitae Evidence Modeling of protein sequence and biophysical properties (such as structural, functional, and spatial information, amino acid conservation, physicochemical variation, residue mobility, and thermodynamic stability) indicates that this missense variant is not expected to disrupt MYH3 protein function with a negative predictive value of 95%. In summary, the available evidence is currently insufficient to determine the role of this variant in disease. Therefore, it has been classified as a Variant of Uncertain Significance.